The following is an entry in ClinVar:

NM_000548.5(TSC2):c.3470G>A (p.Gly1157Glu)

Gene: TSC2 (TSC complex subunit 2; plus strand). Cytogenetic location: 16p13.3.
Variant type: single nucleotide variant.
Coding change: c.3470G>A on transcript NM_000548.5 (MANE Select); coding-DNA position 3470, G replaced by A.
Protein change: p.Gly1157Glu; replaces glycine 1157 with glutamic acid.
Molecular consequence: missense variant. On other transcripts: non-coding transcript variant (5).
Genome position (GRCh38, 1-based): chr16:2,080,237, G>A. VCF-style: chr16-2080237-G-A. GRCh37 (hg19) VCF-style: chr16-2130238-G-A.
Other names: c.2741G>A, p.Gly914Glu (NM_001406686.1, NM_001406685.1); c.2738G>A, p.Gly913Glu (NM_001406687.1, NM_001406688.1, NM_001318831.2); c.2126G>A, p.Gly709Glu (NM_001406689.1); c.1997G>A, p.Gly666Glu (NM_001406690.1, NM_001406692.1, NM_001406693.1 and 1 more transcripts); c.1994G>A, p.Gly665Glu (NM_001406691.1, NM_001406695.1, NM_001406696.1 and 1 more transcripts); c.3338G>A, p.Gly1113Glu (NM_001077183.3, NM_001370404.1, NM_001406665.1); c.3470G>A, p.Gly1157Glu (NM_001114382.3); c.3230G>A, p.Gly1077Glu (NM_001318827.2); and 18 more; short protein forms G1077E, G1107E, G1109E, G1114E, G1157E, G579E, G914E, G960E.
Identifiers: ClinVar variation 2876793 (VCV002876793.3), dbSNP rs1477039147, ClinGen allele CA394288922.

ClinVar aggregate classification (germline): Uncertain significance (1 of 4 stars; one submission).

Conditions:
Tuberous sclerosis 2 (TSC2). Identifiers: Orphanet 805, MedGen C1860707, MONDO:0013199, OMIM 613254.

Submission:

Labcorp Genetics (formerly Invitae), Labcorp
Classification: Uncertain significance for Tuberous sclerosis 2. Last evaluated: 2025-11-17. Review status: criteria provided, single submitter. Criteria: Invitae Variant Classification Sherloc (09022015). Collection method: clinical testing. Allele origin: germline.
Comment: This sequence change replaces glycine, which is neutral and non-polar, with glutamic acid, which is acidic and polar, at codon 1157 of the TSC2 protein (p.Gly1157Glu). This variant is not present in population databases (gnomAD no frequency). This variant has not been reported in the literature in individuals affected with TSC2-related conditions. ClinVar contains an entry for this variant (Variation ID: 2876793). Invitae Evidence Modeling of protein sequence and biophysical properties (such as structural, functional, and spatial information, amino acid conservation, physicochemical variation, residue mobility, and thermodynamic stability) indicates that this missense variant is not expected to disrupt TSC2 protein function with a negative predictive value of 95%. In summary, the available evidence is currently insufficient to determine the role of this variant in disease. Therefore, it has been classified as a Variant of Uncertain Significance.